The following is an entry in ClinVar:

ClinVar aggregate classification (germline): Pathogenic. Review status: criteria provided, multiple submitters, no conflicts (2 of 4 stars). 19 submissions from 17 submitters: Pathogenic (17). 2 of the submissions do not count toward it. Last evaluated 2026-05-28.

Conditions:
Rare genetic deafness. Identifiers: Orphanet 96210, MedGen C5680250.
Monogenic hearing loss.
SLC26A4-related disorder. Also called: SLC26A4-related disorders; SLC26A4-related condition.
Autosomal recessive nonsyndromic hearing loss 4 (DFNB4). Also called: Deafness, autosomal recessive 4, with enlarged vestibular aqueduct; Deafness, autosomal recessive 4; Enlarged vestibular aqueduct, digenic; FOXI1-Related Pendred Syndrome; KCNJ10-Related Pendred Syndrome; Nonsyndromic enlarged vestibular aqueduct (NSEVA). Identifiers: Orphanet 90636, MedGen C3538946, MONDO:0010933, OMIM 600791.
Pendred syndrome (PDS). Also called: Pendred's syndrome; Pendred Syndrome (PDS); THYROID DYSHORMONOGENESIS 2B; THYROID HORMONOGENESIS, GENETIC DEFECT IN, 2B; DEAFNESS WITH GOITER; GOITER-DEAFNESS SYNDROME. Identifiers: Orphanet 705, MedGen C0271829, MONDO:0010134, OMIM 274600.

Allele frequency attached by ClinVar (database versions not stated): TOPMed 0.00009; gnomAD 0.00009 and 0.00008.

Submissions 1 to 14 of 19:

Genetics Laboratory, Great Ormond Street Hospital NHS Foundation Trust, North Thames Genomic Laboratory Hub
Classification: Pathogenic for Monogenic hearing loss. Last evaluated: 2026-05-28. Review status: criteria provided, single submitter. Criteria: ACGS Best Practice Guidelines for Variant Classification in Rare Disease 2024 v1.2. Collection method: clinical testing. Allele origin: germline. Affected: yes.
Comment: PM2_moderate, PVS1_moderate, PS3_strong, PM3_strong

PreventionGenetics, part of Exact Sciences
Classification: Pathogenic for SLC26A4-related condition. Last evaluated: 2026-04-24. Review status: criteria provided, single submitter. Criteria: ACMG Guidelines, 2015. Collection method: clinical testing. Allele origin: germline.
Comment: The SLC26A4 c.2T>C variant is predicted to disrupt the translation initiation site (Start Loss). This variant has been reported in individuals with autosomal recessive Pendred syndrome or nonsyndromic enlarged vestibular aqueduct (NSEVA) (reported as "M1T" in Prasad et al. 2004. PubMed ID: 14679580; Choi et al. 2009. PubMed ID: 19204907; Ladsous et al. 2014. PubMed ID: 24224479). This variant is reported in 0.015% of alleles in individuals of European (Non-Finnish) descent in gnomAD. This variant has been classified as pathogenic by multiple independent submitters to the ClinVar database (ID: 43553). Given all the evidence, we interpret c.2T>C (p.Met1?) as pathogenic.

Natera, Inc.
Classification: Pathogenic for Pendred syndrome. Last evaluated: 2026-01-26. Review status: criteria provided, single submitter. Criteria: Natera Variant Classification Schema (03/2026). Collection method: clinical testing. Allele origin: germline.
Comment: The c.2T>C variant in SLC26A4 is predicted to result in start loss due to disruption of the initiator methionine. This variant is expected to result in nonsense mediated decay, truncation, or a dysfunctional protein product. This variant is rare in the general population with a frequency below the threshold expected for the associated phenotype(s). This variant has been observed in one or more individuals affected with the associated recessive disease, as either homozygous or compound heterozygous with a second variant (PMID: 15099345). Given the available evidence, this variant is classified as Pathogenic.

Labcorp Genetics (formerly Invitae), Labcorp
Classification: Pathogenic. Last evaluated: 2026-01-20. Review status: criteria provided, single submitter. Criteria: Invitae Variant Classification Sherloc (09022015). Collection method: clinical testing. Allele origin: germline.
Comment: This sequence change affects the initiator codon of the SLC26A4 mRNA. This change may impact translation initiation or efficiency. The next in-frame methionine is located at codon 21. This variant is present in population databases (rs111033302, gnomAD 0.02%). Disruption of the initiator codon has been observed in individuals with deafness with enlarged vestibular aqueduct (PMID: 21961810, 27997596; internal data). ClinVar contains an entry for this variant (Variation ID: 43553). Algorithms developed to predict the effect of variants on gene product structure and function are not available or were not evaluated for this variant. Experimental studies have shown that disruption of the initiator codon affects SLC26A4 function (PMID: 19204907). For these reasons, this variant has been classified as Pathogenic.

Blueprint Genetics
Classification: Pathogenic for SLC26A4-related disorders. Last evaluated: 2024-04-19. Review status: criteria provided, single submitter. Criteria: ACMG Guidelines, 2015. Collection method: clinical testing. Allele origin: germline. Affected: yes. Observed: 5 variant alleles.

GeneDx
Classification: Pathogenic. Last evaluated: 2024-03-05. Review status: criteria provided, single submitter. Criteria: GeneDx Variant Classification Process June 2021. Collection method: clinical testing. Allele origin: germline. Affected: yes.
Comment: Initiation codon variant in a gene for which loss of function is a known mechanism of disease; Published in vitro functional studies demonstrate loss of activity due to protein retention in the endoplasmic reticulum (PMID: 19204907); This variant is associated with the following publications: (PMID: 27997596, 25372295, 19509082, 20128824, 15099345, 14679580, 24224479, 28780564, 21961810, 16950989, 23965030, 21704276, 19204907, 31589614, 34062854, 34515852, 35982127)

Johns Hopkins Genomics, Johns Hopkins University
Classification: Pathogenic for Autosomal recessive nonsyndromic hearing loss 4. Last evaluated: 2023-06-21. Review status: criteria provided, single submitter. Criteria: ACMG Guidelines, 2015. Collection method: clinical testing. Allele origin: germline.
Comment: This SLC26A4 variant (rs111033302) is rare (<0.1%) in a large population dataset (gnomAD: 16/204190 total alleles; MAF 0.008%; no homozygotes) and has been reported in ClinVar. This variant alters the initiation codon and is predicted to result either in absence of the protein or alteration of the encoded protein due to translation initiation at a downstream methionine codon. In vitro functional studies of p.Met1Thr using transfected cells showed the protein was retained within the endoplasmic reticulum with no surface expression. This SLC26A4 variant has been reported in unrelated individuals with hearing loss and EVA, usually in a compound heterozygous state with a different pathogenic variant. We consider c.2T>C (p.Met1Thr) to be pathogenic for DFNB4.

Women's Health and Genetics/Laboratory Corporation of America, LabCorp
Classification: Pathogenic for Pendred syndrome. Last evaluated: 2023-01-06. Review status: criteria provided, single submitter. Criteria: LabCorp Variant Classification Summary - May 2015. Collection method: clinical testing. Allele origin: germline.
Comment: Variant summary: SLC26A4 c.2T>C (p.Met1Thr) alters the initiation codon and is predicted to result either in absence of the protein or truncation of the encoded protein due to translation initiation at a downstream codon. Two of three in-silico tools predict a damaging effect of the variant on protein function. The variant allele was found at a frequency of 6.9e-05 in 172798 control chromosomes. This frequency is not significantly higher than expected for a pathogenic variant in SLC26A4 causing Pendred Syndrome (6.9e-05 vs 0.0035), allowing no conclusion about variant significance. c.2T>C has been reported in the literature in individuals affected with Enlargement of the Vestibular aqueduct and Hearing loss, usually associated with Pendred Syndrome( Example: Alber_2006, Choi_2009, Siem_2010, Sloan-Heggen_2016, Smits_2022, Gardner_2006 etc). These data indicate that the variant is likely to be associated with disease. At least one publication reports experimental evidence evaluating an impact on protein function (Choi_2009) indicating the protein was retained within the endoplasmic reticulum with no surface expression. Nine clinical diagnostic laboratories have submitted clinical-significance assessments for this variant to ClinVar after 2014 without evidence for independent evaluation. All laboratories classified the variant as pathogenic. Based on the evidence outlined above, the variant was classified as pathogenic.

Greenwood Genetic Center Diagnostic Laboratories, Greenwood Genetic Center
Classification: Pathogenic for SLC26A4-related disorder. Last evaluated: 2022-10-03. Review status: criteria provided, single submitter. Criteria: ACMG Guidelines, 2015. Collection method: clinical testing. Allele origin: germline. Affected: yes.
Comment: PVS1_Strong, PS3, PM3_Strong

Genome-Nilou Lab
Classification: Pathogenic for Autosomal recessive nonsyndromic hearing loss 4. Last evaluated: 2021-09-05. Review status: criteria provided, single submitter. Criteria: ACMG Guidelines, 2015. Collection method: clinical testing. Allele origin: germline. Affected: no.

Genome-Nilou Lab
Classification: Pathogenic for Pendred syndrome. Last evaluated: 2021-09-05. Review status: criteria provided, single submitter. Criteria: ACMG Guidelines, 2015. Collection method: clinical testing. Allele origin: germline. Affected: no.

Revvity Omics, Revvity
Classification: Pathogenic. Last evaluated: 2021-06-07. Review status: criteria provided, single submitter. Criteria: ACMG Guidelines, 2015. Collection method: clinical testing. Allele origin: germline.

Neurogenetic Laboratory, Second Faculty of Medicine, Charles University
Classification: Pathogenic for Autosomal recessive nonsyndromic hearing loss 4. Last evaluated: 2021-03-30. Review status: criteria provided, single submitter. Criteria: ClinGen HL ACMG Specifications v1. Collection method: clinical testing. Allele origin: germline. Affected: yes.

Baylor Genetics
Classification: Pathogenic for Autosomal recessive nonsyndromic hearing loss 4. Last evaluated: 2020-01-03. Review status: criteria provided, single submitter. Criteria: ACMG Guidelines, 2015. Collection method: clinical testing. Allele origin: unknown. Affected: yes.
Comment: This variant was determined to be pathogenic according to ACMG Guidelines, 2015 [PMID:25741868].

NM_000441.2(SLC26A4):c.2T>C (p.Met1Thr)

Genes: SLC26A4 (solute carrier family 26 member 4; plus strand), SLC26A4-AS1 (SLC26A4 antisense RNA 1; minus strand). Cytogenetic location: 7q22.3.
Variant type: single nucleotide variant.
Coding change: c.2T>C on transcript NM_000441.2 (MANE Select); coding-DNA position 2, T replaced by C.
Protein change: p.Met1Thr; changes the start codon (methionine 1).
Molecular consequence: missense variant, initiator codon variant. On other transcripts: non-coding transcript variant (1).
Genome position (GRCh38, 1-based): chr7:107,661,643, T>C. VCF-style: chr7-107661643-T-C. GRCh37 (hg19) VCF-style: chr7-107302088-T-C.
Other names: short protein forms M1T.
Identifiers: ClinVar variation 43553 (VCV000043553.44), dbSNP rs111033302, ClinGen allele CA261430.
Genomic context (GRCh38, chr7:107,661,643, plus strand): 5'-TCCGATCGTCCTCGCTTACCGCGTGTCCTCCCTCCTCGCTGTCCTCTGGCTCGCAGGTCA[T>C]GGCAGCGCCAGGCGGCAGGTCGGAGCCGCCGCAGCTCCCCGAGTACAGCTGCAGCTACAT-3'
Protein context (NP_000432.1, residues 1-11): [Met1Thr]AAPGGRSEPP